The following is an entry in ClinVar:

NM_000059.4(BRCA2):c.7335T>G (p.Ser2445Arg)

Gene: BRCA2 (BRCA2 DNA repair associated; plus strand). Cytogenetic location: 13q13.1.
Variant type: single nucleotide variant.
Coding change: c.7335T>G on transcript NM_000059.4 (MANE Select); coding-DNA position 7335, T replaced by G.
Protein change: p.Ser2445Arg; replaces serine 2445 with arginine.
Molecular consequence: missense variant.
Genome position (GRCh38, 1-based): chr13:32,355,188, T>G. VCF-style: chr13-32355188-T-G. GRCh37 (hg19) VCF-style: chr13-32929325-T-G.
Other names: short protein forms S2445R.
Identifiers: ClinVar variation 1017823 (VCV001017823.9), dbSNP rs1593918407, ClinGen allele CA387741226.
Genomic context (GRCh38, chr13:32,355,188, plus strand): 5'-TATTAACTTGGAGGAAAACAGACAAAAGCAAAACATTGATGGACATGGCTCTGATGATAG[T>G]AAAAATAAGATTAATGACAATGAGATTCATCAGTTTAACAAAAACAACTCCAATCAAGCA-3'
Protein context (NP_000050.3, residues 2435-2455): QNIDGHGSDD[Ser2445Arg]KNKINDNEIH

ClinVar aggregate classification (germline): Uncertain significance (1 of 4 stars; one submission).

Conditions:
Hereditary breast ovarian cancer syndrome. Also called: BRCA1- and BRCA2-Associated Hereditary Breast and Ovarian Cancer; Hereditary breast and/or ovarian cancer syndrome; Hereditary breast and ovarian cancer syndrome; Hereditary breast and ovarian cancer; Hereditary breast and ovarian cancer syndrome (HBOC); Breast and ovarian cancer. Identifiers: Orphanet 145, MedGen C0677776, MeSH D061325, MONDO:0003582. Disease mechanism: loss of function.

Submission:

Labcorp Genetics (formerly Invitae), Labcorp
Classification: Uncertain significance for Hereditary breast ovarian cancer syndrome. Last evaluated: 2021-08-02. Review status: criteria provided, single submitter. Criteria: Invitae Variant Classification Sherloc (09022015). Collection method: clinical testing. Allele origin: germline.
Comment: Advanced modeling of protein sequence and biophysical properties (such as structural, functional, and spatial information, amino acid conservation, physicochemical variation, residue mobility, and thermodynamic stability) performed at Invitae indicates that this missense variant is not expected to disrupt BRCA2 protein function. This sequence change replaces serine with arginine at codon 2445 of the BRCA2 protein (p.Ser2445Arg). The serine residue is moderately conserved and there is a moderate physicochemical difference between serine and arginine. This variant is not present in population databases (ExAC no frequency). This variant has not been reported in the literature in individuals with BRCA2-related conditions. In summary, the available evidence is currently insufficient to determine the role of this variant in disease. Therefore, it has been classified as a Variant of Uncertain Significance.